The following is an entry in ClinVar:

NM_001374828.1(ARID1B):c.3917del (p.Pro1306fs)

Gene: ARID1B (AT-rich interaction domain 1B; plus strand). Cytogenetic location: 6q25.3.
Variant type: Deletion.
Coding change: c.3917del on transcript NM_001374828.1 (MANE Select); coding-DNA position 3917, one base deleted (C; older notation c.3917delC).
Protein change: p.Pro1306fs; shifts the reading frame from proline 1306.
Molecular consequence: frameshift variant.
Genome position (GRCh38, 1-based): chr6:157,184,433, C deleted; the last of 2 consecutive C bases (chr6:157,184,432-157,184,433); deleting either gives the same sequence. VCF-style (leftmost placement, unchanged base first): chr6-157184431-TC-T. GRCh37 (hg19) VCF-style: chr6-157505565-TC-T.
Other names: c.3547del (NM_020732.3); c.1418del, p.Pro473fs (NM_001363725.2); c.3797del, p.Pro1266fs (NM_001371656.1, NM_001374820.1); c.3758del, p.Pro1253fs (NM_017519.3); c.3547delC (NM_020732.3); c.3548del (NM_020732.3); short protein forms P473fs, P1253fs, P1266fs, P1306fs.
Identifiers: ClinVar variation 560950 (VCV000560950.4), dbSNP rs1562331655, ClinGen allele CA658821555.

ClinVar aggregate classification (germline): Pathogenic. Review status: criteria provided, multiple submitters, no conflicts (2 of 4 stars). 3 submissions from 2 submitters: Pathogenic (3). Last evaluated 2024-07-11.

Conditions:
ARID1B-related BAFopathy.
Coffin-Siris syndrome 1 (CSS1). Also called: Mental retardation, autosomal dominant 12; ARID1B-Related Coffin-Siris Syndrome. Identifiers: Orphanet 1465, MedGen C3281201, MONDO:0007617, OMIM 135900. Disease mechanism: gain of function.

Submissions (3):

GeneDx
Classification: Pathogenic. Last evaluated: 2024-07-11. Review status: criteria provided, single submitter. Criteria: GeneDx Variant Classification Process June 2021. Collection method: clinical testing. Allele origin: germline. Affected: yes.
Comment: Identified in a patient from a cohort who had whole exome sequencing; however, clinical information was not provided (PMID: 34906496); Frameshift variant predicted to result in protein truncation or nonsense mediated decay in a gene for which loss of function is a known mechanism of disease; Not observed at significant frequency in large population cohorts (gnomAD); This variant is associated with the following publications: (PMID: 34906496)

Baylor Genetics
Classification: Pathogenic for ARID1B-related BAFopathy. Last evaluated: 2021-06-10. Review status: criteria provided, single submitter. Criteria: ACMG Guidelines, 2015. Collection method: clinical testing. Allele origin: unknown. Affected: yes.

Baylor Genetics
Classification: Pathogenic for Coffin-Siris syndrome 1. Last evaluated: 2017-09-01. Review status: criteria provided, single submitter. Criteria: ACMG Guidelines, 2015. Collection method: clinical testing. Allele origin: germline. Inheritance: Autosomal dominant inheritance. Affected: yes.
Comment: This frameshift mutation is categorized as deleterious according to ACMG guidelines (PMID:18414213).

Literature cited by the submitters: PubMed 25326635 (cited by Baylor Genetics).